The following is an entry in ClinVar:

NC_000016.10:g.3577518C>T

Gene: NLRC3 (NLR family CARD domain containing 3; minus strand). Cytogenetic location: 16p13.3.
Variant type: single nucleotide variant.
Genome position: GRCh38 VCF-style: chr16-3577518-C-T. GRCh37 (hg19) VCF-style: chr16-3627519-C-T.
Identifiers: ClinVar variation 102964 (VCV000102964.2), dbSNP rs199475931, ClinGen allele CA229930.

ClinVar aggregate classification (germline): not provided (0 of 4 stars; one submission).

Allele frequency attached by ClinVar (database versions not stated): gnomAD 0.00001; gnomAD exomes 0.00001; TOPMed 0.00001.

Submission:

Human Evolutionary Genetics, Institut Pasteur
No classification provided. Review status: no classification provided. Collection method: not provided. Allele origin: germline.
ClinVar note: Converted during submission from untested to not provided.